The following is an entry in ClinVar:

NM_133433.4(NIPBL):c.4996G>A (p.Asp1666Asn)

Gene: NIPBL (NIPBL cohesin loading factor; plus strand). Cytogenetic location: 5p13.2.
Variant type: single nucleotide variant.
Coding change: c.4996G>A on transcript NM_133433.4 (MANE Select); coding-DNA position 4996, G replaced by A.
Protein change: p.Asp1666Asn; replaces aspartic acid 1666 with asparagine.
Molecular consequence: missense variant.
Genome position (GRCh38, 1-based): chr5:37,019,386, G>A. VCF-style: chr5-37019386-G-A. GRCh37 (hg19) VCF-style: chr5-37019488-G-A.
Other names: c.4996G>A, p.Asp1666Asn (NM_015384.5); short protein forms D1666N.
Identifiers: ClinVar variation 2711904 (VCV002711904.3), dbSNP rs2478304597, ClinGen allele CA359485989.
Genomic context (GRCh38, chr5:37,019,386, plus strand): 5'-GATGAAATCCAACAATTACAAAAAGCATTGCTTGATTACTTGGATGAAAACACTGAGACT[G>A]ATCCTTCACTAGTGGTAGGATTCTTTTCCCCTGTTTTGGAGATACTACATGTTTATTTAA-3'
Protein context (NP_597677.2, residues 1656-1676): LDYLDENTET[Asp1666Asn]PSLVFSRKFY

ClinVar aggregate classification (germline): Uncertain significance (1 of 4 stars; one submission).

Conditions:
Cornelia de Lange syndrome 1 (CDLS1). Also called: TYPUS DEGENERATIVUS AMSTELODAMENSIS; Brachmann de Lange syndrome; NIPBL-Related Cornelia de Lange Syndrome. Identifiers: Orphanet 199, MedGen C4551851, MONDO:0007387, OMIM 122470.

Submission:

Labcorp Genetics (formerly Invitae), Labcorp
Classification: Uncertain significance for Cornelia de Lange syndrome 1. Last evaluated: 2024-04-11. Review status: criteria provided, single submitter. Criteria: Invitae Variant Classification Sherloc (09022015). Collection method: clinical testing. Allele origin: germline.
Comment: This sequence change replaces aspartic acid, which is acidic and polar, with asparagine, which is neutral and polar, at codon 1666 of the NIPBL protein (p.Asp1666Asn). This variant is not present in population databases (gnomAD no frequency). This variant has not been reported in the literature in individuals affected with NIPBL-related conditions. Advanced modeling of protein sequence and biophysical properties (such as structural, functional, and spatial information, amino acid conservation, physicochemical variation, residue mobility, and thermodynamic stability) performed at Invitae indicates that this missense variant is expected to disrupt NIPBL protein function with a positive predictive value of 95%. In summary, the available evidence is currently insufficient to determine the role of this variant in disease. Therefore, it has been classified as a Variant of Uncertain Significance.